The following is an entry in ClinVar:

NM_001271.4(CHD2):c.4621A>G (p.Thr1541Ala)

Gene: CHD2 (chromodomain helicase DNA binding protein 2; plus strand). Cytogenetic location: 15q26.1.
Variant type: single nucleotide variant.
Coding change: c.4621A>G on transcript NM_001271.4 (MANE Select); coding-DNA position 4621, A replaced by G.
Protein change: p.Thr1541Ala; replaces threonine 1541 with alanine.
Molecular consequence: missense variant.
Genome position (GRCh38, 1-based): chr15:93,012,373, A>G. VCF-style: chr15-93012373-A-G. GRCh37 (hg19) VCF-style: chr15-93555603-A-G.
Other names: short protein forms T1541A.
Identifiers: ClinVar variation 3372086 (VCV003372086.1).

ClinVar aggregate classification (germline): Uncertain significance (1 of 4 stars; one submission).

Submission:

GeneDx
Classification: Uncertain significance. Last evaluated: 2024-04-10. Review status: criteria provided, single submitter. Criteria: GeneDx Variant Classification Process June 2021. Collection method: clinical testing. Allele origin: germline. Affected: yes.
Comment: Not observed at significant frequency in large population cohorts (gnomAD); In silico analysis supports that this missense variant has a deleterious effect on protein structure/function; Has not been previously published as pathogenic or benign to our knowledge